The following is an entry in ClinVar:

ClinVar aggregate classification (germline): Uncertain significance (1 of 4 stars; one submission).

Conditions:
Muscular dystrophy-dystroglycanopathy (congenital with brain and eye anomalies), type A2. Also called: MUSCULAR DYSTROPHY-DYSTROGLYCANOPATHY (CONGENITAL WITH BRAIN AND EYE ANOMALIES), TYPE A, 2; WALKER-WARBURG SYNDROME OR MUSCLE-EYE-BRAIN DISEASE, POMT2-RELATED. Identifiers: Orphanet 588, Orphanet 899, MedGen C3150411, MONDO:0013154, OMIM 613150.
Autosomal recessive limb-girdle muscular dystrophy type 2N. Also called: MUSCULAR DYSTROPHY-DYSTROGLYCANOPATHY, LIMB-GIRDLE, POMT2-RELATED; Muscular dystrophy-dystroglycanopathy (limb-girdle), type C, 2. Identifiers: Orphanet 206559, MedGen C3150418, MONDO:0013162, OMIM 613158.
Muscular dystrophy-dystroglycanopathy (congenital with impaired intellectual development), type B, 2. Also called: MUSCULAR DYSTROPHY, CONGENITAL, POMT2-RELATED; Muscular dystrophy-dystroglycanopathy (congenital with intellectual disability), type B2. Identifiers: MedGen C3150416, MONDO:0013160, OMIM 613156.

Allele frequency attached by ClinVar (database versions not stated): gnomAD exomes below 0.00001; gnomAD 0.00001.
gnomAD v4.1: 2 of 1,545,892 alleles (0.00013%); highest among the groups gnomAD compares: Non-Finnish European, 0.000087%; no homozygotes.

Submission:

Labcorp Genetics (formerly Invitae), Labcorp
Classification: Uncertain significance for Muscular dystrophy-dystroglycanopathy (congenital with impaired intellectual development), type B, 2; Muscular dystrophy-dystroglycanopathy (congenital with brain and eye anomalies), type A2; Autosomal recessive limb-girdle muscular dystrophy type 2N. Last evaluated: 2021-03-08. Review status: criteria provided, single submitter. Criteria: Invitae Variant Classification Sherloc (09022015). Collection method: clinical testing. Allele origin: germline.
Comment: This variant has not been reported in the literature in individuals with POMT2-related conditions. In summary, the available evidence is currently insufficient to determine the role of this variant in disease. Therefore, it has been classified as a Variant of Uncertain Significance. Algorithms developed to predict the effect of missense changes on protein structure and function (SIFT, PolyPhen-2, Align-GVGD) all suggest that this variant is likely to be disruptive, but these predictions have not been confirmed by published functional studies and their clinical significance is uncertain. This variant is not present in population databases (ExAC no frequency). This sequence change replaces leucine with serine at codon 76 of the POMT2 protein (p.Leu76Ser). The leucine residue is moderately conserved and there is a large physicochemical difference between leucine and serine.

NM_013382.7(POMT2):c.227T>C (p.Leu76Ser)

Gene: POMT2 (protein O-mannosyltransferase 2; minus strand). Cytogenetic location: 14q24.3.
Variant type: single nucleotide variant.
Coding change: c.227T>C on transcript NM_013382.7 (MANE Select); coding-DNA position 227, T replaced by C.
Protein change: p.Leu76Ser; replaces leucine 76 with serine.
Molecular consequence: missense variant.
Genome position (GRCh38, 1-based): chr14:77,320,455, A>G on the plus strand (T>C on the coding strand, the complement: POMT2 is on the minus strand). VCF-style: chr14-77320455-A-G. GRCh37 (hg19) VCF-style: chr14-77786798-A-G.
Other names: short protein forms L76S.
Identifiers: ClinVar variation 1383266 (VCV001383266.8), dbSNP rs1349494437, ClinGen allele CA390504316.